The following is an entry in ClinVar:

NM_000512.5(GALNS):c.899-1G>T

Gene: GALNS (galactosamine (N-acetyl)-6-sulfatase; minus strand). Cytogenetic location: 16q24.3.
Variant type: single nucleotide variant.
Coding change: c.899-1G>T on transcript NM_000512.5 (MANE Select); the canonical splice acceptor site of the intron before coding-DNA position 899, G replaced by T.
Molecular consequence: splice acceptor variant.
Genome position (GRCh38, 1-based): chr16:88,832,102, C>A on the plus strand (G>T on the coding strand, the complement: GALNS is on the minus strand). VCF-style: chr16-88832102-C-A. GRCh37 (hg19) VCF-style: chr16-88898510-C-A.
Other names: c.344-1G>T (NM_001323543.2); c.917-1G>T (NM_001323544.2).
Identifiers: ClinVar variation 3255153 (VCV003255153.1), dbSNP rs745523154.
Genomic context (GRCh38, chr16:88,832,102, plus strand): 5'-CCCTCATCCCTCCTTCAAACGTGGTCTGCTTCCCACACAGAAAGGGGCCGTTGCTGCCAC[C>A]TGGGAGAGAGGGGCCCTTGTCAGGCCACTGGGACCAGATGTCCCCAGGCCCTCCCCCTCC-3'

ClinVar aggregate classification (germline): Pathogenic (1 of 4 stars; one submission).

Conditions:
Mucopolysaccharidosis, MPS-IV-A (MPS4A). Also called: Morquio syndrome A, mild; MORQUIO SYNDROME A; GALACTOSAMINE-6-SULFATASE DEFICIENCY; GALNS DEFICIENCY; MORQUIO A DISEASE; Mucopolysaccharidosis type IV A. Identifiers: Orphanet 309297, Orphanet 582, MedGen C0086651, MONDO:0009659, OMIM 253000.

Submission:

Victorian Clinical Genetics Services, Murdoch Childrens Research Institute
Classification: Pathogenic for Mucopolysaccharidosis, MPS-IV-A. Last evaluated: 2023-07-17. Review status: criteria provided, single submitter. Criteria: ACMG Guidelines, 2015. Collection method: clinical testing. Allele origin: germline. Inheritance: Autosomal recessive inheritance. Affected: yes.
Comment: Based on the classification scheme VCGS_Germline_v1.3.4, this variant is classified as Pathogenic. Following criteria are met: 0102 - Loss of function is a known mechanism of disease in this gene and is associated with mucopolysaccharidosis IVA (MIM#253000). (I) 0106 - This gene is associated with autosomal recessive disease. (I) 0115 - Variants in this gene are known to have variable expressivity. The phenotypic spectrum ranges from a severe and rapidly progressive early-onset form to a slowly progressive later-onset form (PMID: 23844448). (I) 0211 - Canonical splice site variant without proven consequence on splicing (no functional evidence available). (SP) 0251 - This variant is heterozygous. (I) 0301 - Variant is absent from gnomAD (both v2 and v3). (SP) 0311 - An alternative nucleotide change at the same canonical splice site is present in gnomAD (v2) at a frequency of 0.000004019 (1 heterozygote, 0 homozygotes). 0505 - Abnormal splicing is predicted by in silico tools and affected nucleotide is highly conserved. (SP) 0702 - Other canonical splice variants comparable to the one identified in this case have strong previous evidence for pathogenicity. The c.899-1G>C splice variant has been reported as compound heterozygous or homozygous in multiple individuals with severe mucopolysaccharidosis IVA (MPS IVA) (PMIDs: 18710657, 25137622, 25545067). The c.899-2A>G splice variant has been reported in one individual with severe MPS IVA and classified as likely pathogenic by one clinical diagnostic laboratory while the c.899-2A>C splice variant has been classified as pathogenic by one clinical diagnostic laboratory (PMID: 15235041; ClinVar). (SP) 0807 - This variant has no previous evidence of pathogenicity. (I) 0905 - No published segregation evidence has been identified for this variant. (I) 1007 - No published functional evidence has been identified for this variant. (I) Legend: (SP) - Supporting pathogenic, (I) - Information, (SB) - Supporting benign

Literature cited by the submitters: PubMed 15235041; PubMed 18710657; PubMed 23844448; PubMed 25137622; PubMed 25545067.